The following is an entry in ClinVar:

NM_016363.5(GP6):c.*189C>T

Gene: GP6 (glycoprotein VI platelet; minus strand). Cytogenetic location: 19q13.42.
Variant type: single nucleotide variant.
Coding change: c.*189C>T on transcript NM_016363.5 (MANE Select); 189 bases downstream of the stop codon, C replaced by T.
Molecular consequence: 3 prime UTR variant. On other transcripts: missense variant (1).
Genome position (GRCh38, 1-based): chr19:55,014,732, G>A on the plus strand (C>T on the coding strand, the complement: GP6 is on the minus strand). VCF-style: chr19-55014732-G-A. GRCh37 (hg19) VCF-style: chr19-55526100-G-A.
Other names: c.1213C>T, p.Leu405Phe (NM_001083899.2); c.*189C>T (NM_001256017.2); c.1213C>T (NM_001083899.1); short protein forms L405F.
Identifiers: ClinVar variation 3711917 (VCV003711917.3).
Genomic context (GRCh38, chr19:55,014,732, plus strand): 5'-GAGGAGGATGGGGTCTCCACAGATTCCTTCCATCCCAAATGGAGGGTGCCCTCAGACAGA[G>A]AGGCAGACAGACAGACAGACACTGGCCGAACGGCTCCCTGATGGAACACCAGGAGGAGGC-3'

ClinVar aggregate classification (germline): Uncertain significance. Review status: criteria provided, multiple submitters, no conflicts (2 of 4 stars). 2 submissions from 2 submitters: Uncertain significance (2). Last evaluated 2025-09-11.

Conditions:
Inborn genetic diseases. Identifiers: MedGen C0950123, MeSH D030342.

Submissions (2):

Ambry Genetics
Classification: Uncertain significance for Inborn genetic diseases. Last evaluated: 2025-09-11. Review status: criteria provided, single submitter. Criteria: Ambry Variant Classification Scheme 2023. Collection method: clinical testing. Allele origin: germline.

Labcorp Genetics (formerly Invitae), Labcorp
Classification: Uncertain significance. Last evaluated: 2024-05-26. Review status: criteria provided, single submitter. Criteria: Invitae Variant Classification Sherloc (09022015). Collection method: clinical testing. Allele origin: germline.
Comment: This sequence change replaces leucine, which is neutral and non-polar, with phenylalanine, which is neutral and non-polar, at codon 405 of the GP6 protein (p.Leu405Phe). This variant is present in population databases (rs748550203, gnomAD 0.006%). This variant has not been reported in the literature in individuals affected with GP6-related conditions. Algorithms developed to predict the effect of missense changes on protein structure and function output the following: SIFT: "Not Available"; PolyPhen-2: "Probably Damaging"; Align-GVGD: "Not Available". The phenylalanine amino acid residue is found in multiple mammalian species, which suggests that this missense change does not adversely affect protein function. In summary, the available evidence is currently insufficient to determine the role of this variant in disease. Therefore, it has been classified as a Variant of Uncertain Significance.